The following is an entry in ClinVar:

NM_015338.6(ASXL1):c.2813C>T (p.Pro938Leu)

Gene: ASXL1 (ASXL transcriptional regulator 1; plus strand). Cytogenetic location: 20q11.21.
Variant type: single nucleotide variant.
Coding change: c.2813C>T on transcript NM_015338.6 (MANE Select); coding-DNA position 2813, C replaced by T.
Protein change: p.Pro938Leu; replaces proline 938 with leucine.
Molecular consequence: missense variant.
Genome position (GRCh38, 1-based): chr20:32,435,525, C>T. VCF-style: chr20-32435525-C-T. GRCh37 (hg19) VCF-style: chr20-31023328-C-T.
Other names: c.2630C>T, p.Pro877Leu (NM_001363734.1); short protein forms P877L, P938L.
Identifiers: ClinVar variation 4158407 (VCV004158407.1).

ClinVar aggregate classification (germline): Uncertain significance (1 of 4 stars; one submission).

Conditions:
Inborn genetic diseases. Identifiers: MedGen C0950123, MeSH D030342.

Submission:

Ambry Genetics
Classification: Uncertain significance for Inborn genetic diseases. Last evaluated: 2025-07-25. Review status: criteria provided, single submitter. Criteria: Ambry Variant Classification Scheme 2023. Collection method: clinical testing. Allele origin: germline.
Comment: The p.P938L variant (also known as c.2813C>T), located in coding exon 13 of the ASXL1 gene, results from a C to T substitution at nucleotide position 2813. The proline at codon 938 is replaced by leucine, an amino acid with similar properties. This amino acid position is conserved. In addition, this alteration is predicted to be tolerated by in silico analysis. Based on the available evidence, the clinical significance of this variant remains unclear.